The following is an entry in ClinVar:

ClinVar aggregate classification (germline): Benign/Likely benign. Review status: criteria provided, multiple submitters, no conflicts (2 of 4 stars). 3 submissions from 3 submitters: Benign (1); Likely benign (2). Last evaluated 2026-08-01.

Submissions (3):

CeGaT Center for Human Genetics Tuebingen
Classification: Likely benign. Last evaluated: 2026-08-01. Review status: criteria provided, single submitter. Criteria: CeGaT Center For Human Genetics Tuebingen Variant Classification Criteria Version 2. Collection method: clinical testing. Allele origin: germline. Affected: yes. Observed: 1 variant allele.
Comment: KIF14: BP4, BS2

Labcorp Genetics (formerly Invitae), Labcorp
Classification: Likely benign. Last evaluated: 2025-12-22. Review status: criteria provided, single submitter. Criteria: Invitae Variant Classification Sherloc (09022015). Collection method: clinical testing. Allele origin: germline.

Women's Health and Genetics/Laboratory Corporation of America, LabCorp
Classification: Benign. Last evaluated: 2024-10-13. Review status: criteria provided, single submitter. Criteria: LabCorp Variant Classification Summary - May 2015. Collection method: clinical testing. Allele origin: germline.

NM_014875.3(KIF14):c.2364+6_2364+8del

Gene: KIF14 (kinesin family member 14; minus strand). Cytogenetic location: 1q32.1.
Variant type: Microsatellite.
Coding change: c.2364+6_2364+8del on transcript NM_014875.3 (MANE Select); bases 6 to 8 of the intron after coding-DNA position 2364, 3 bases deleted (ATT; older notation c.2364+6_2364+8delATT).
Molecular consequence: splice donor variant.
Genome position (GRCh38, 1-based): chr1:200,600,042-200,600,044, AAT deleted on the plus strand (ATT on the coding strand, the reverse complement: KIF14 is on the minus strand); deleting any 3 consecutive bases within chr1:200,600,042-200,600,048 gives the same sequence; the c. name uses the placement nearest the transcript's 3' end. VCF-style (leftmost placement, unchanged base first): chr1-200600041-AAAT-A. GRCh37 (hg19) VCF-style: chr1-200569169-AAAT-A.
Other names: c.891+6_891+8del (NM_001305792.1); c.2364+6_2364+8delATT (NM_014875.3).
Identifiers: ClinVar variation 3384721 (VCV003384721.3), dbSNP rs755937665.